The following is an entry in ClinVar:

ClinVar aggregate classification (germline): Uncertain significance (1 of 4 stars; one submission).

Conditions:
UNC13A-related disorder. Also called: UNC13A-related condition.

Allele frequency attached by ClinVar (database versions not stated): gnomAD exomes below 0.00001.
gnomAD v4.1: 1 of 1,613,456 alleles (0.000062%); highest among the groups gnomAD compares: Non-Finnish European, 0.000085%; no homozygotes.

Submission:

PreventionGenetics, part of Exact Sciences
Classification: Uncertain significance for UNC13A-related condition. Last evaluated: 2023-08-08. Review status: criteria provided, single submitter. Criteria: ACMG Guidelines, 2015. Collection method: clinical testing. Allele origin: germline.
Comment: The UNC13A c.53-2A>G variant is predicted to disrupt the AG splice acceptor site and interfere with normal splicing. To our knowledge, this variant has not been reported in the literature or in a large population database, indicating this variant is rare. Loss of function is not an established mechanism of UNC13A-related disease. Although we suspect that this variant may be pathogenic, at this time, the clinical significance of this variant is uncertain due to the absence of conclusive functional and genetic evidence.

NM_001080421.3(UNC13A):c.53-2A>G

Gene: UNC13A (unc-13 homolog A; minus strand). Cytogenetic location: 19p13.11.
Variant type: single nucleotide variant.
Coding change: c.53-2A>G on transcript NM_001080421.3 (MANE Select); the canonical splice acceptor site of the intron before coding-DNA position 53, A replaced by G.
Molecular consequence: splice acceptor variant.
Genome position (GRCh38, 1-based): chr19:17,674,758, T>C on the plus strand (A>G on the coding strand, the complement: UNC13A is on the minus strand). VCF-style: chr19-17674758-T-C. GRCh37 (hg19) VCF-style: chr19-17785567-T-C.
Other names: c.53-2A>G (NM_001387022.1, NM_001387023.1, NM_001387021.1).
Identifiers: ClinVar variation 2632529 (VCV002632529.1), dbSNP rs2513163084, ClinGen allele CA404742682.
Genomic context (GRCh38, chr19:17,674,758, plus strand): 5'-CGCGATGGTCGTGCTCTTGACATTCTGCACTTTCAGGGTCACGTACGTGTTGAATTTCTC[T>C]GTGGCAGTGAGAGTAGGGGTCAGCGCTGGGGCTCAGGGACTCTCCAATGCCCCTTCCCAA-3'